The following is an entry in ClinVar:

ClinVar aggregate classification (germline): Uncertain significance. Review status: criteria provided, single submitter (1 of 4 stars). 2 submissions from 2 submitters: Uncertain significance (1). 1 of the submissions does not count toward it. Last evaluated 2025-05-29.

Conditions:
Inborn genetic diseases. Identifiers: MedGen C0950123, MeSH D030342.
CYP26B1-related disorder. Also called: CYP26B1-related condition.

Allele frequency attached by ClinVar (database versions not stated): gnomAD exomes 0.00001; ESP Exome Variant Server 0.00008; 1000 Genomes Project 0.00020; 1000 Genomes Project 30x 0.00031; TOPMed 0.00016; ExAC 0.00002; gnomAD 0.00013.

Submissions (2):

Ambry Genetics
Classification: Uncertain significance for Inborn genetic diseases. Last evaluated: 2025-05-29. Review status: criteria provided, single submitter. Criteria: Ambry Variant Classification Scheme 2023. Collection method: clinical testing. Allele origin: germline.

PreventionGenetics, part of Exact Sciences
Classification: Uncertain significance for CYP26B1-related condition. Last evaluated: 2024-01-02. Review status: no assertion criteria provided. Collection method: clinical testing. Allele origin: germline. Not counted in ClinVar's aggregate classification.
Comment: The CYP26B1 c.549G>C variant is predicted to result in the amino acid substitution p.Gln183His. To our knowledge, this variant has not been reported in the literature. This variant is reported in 0.032% of alleles in individuals of African descent in gnomAD. At this time, the clinical significance of this variant is uncertain due to the absence of conclusive functional and genetic evidence.

NM_019885.4(CYP26B1):c.549G>C (p.Gln183His)

Gene: CYP26B1 (cytochrome P450 family 26 subfamily B member 1; minus strand). Cytogenetic location: 2p13.2.
Variant type: single nucleotide variant.
Coding change: c.549G>C on transcript NM_019885.4 (MANE Select); coding-DNA position 549, G replaced by C.
Protein change: p.Gln183His; replaces glutamine 183 with histidine.
Molecular consequence: missense variant.
Genome position (GRCh38, 1-based): chr2:72,135,300, C>G on the plus strand (G>C on the coding strand, the complement: CYP26B1 is on the minus strand). VCF-style: chr2-72135300-C-G. GRCh37 (hg19) VCF-style: chr2-72362429-C-G.
Other names: c.324G>C, p.Gln108His (NM_001277742.2); c.549G>C (NM_019885.2); short protein forms Q108H, Q183H.
Identifiers: ClinVar variation 3055157 (VCV003055157.3), dbSNP rs142707455, ClinGen allele CA1708015.
Genomic context (GRCh38, chr2:72,135,300, plus strand): 5'-AGGGATGCTGAAGCCCAGCAGCACCCGGATGGCCATGCGGAAGGTCAGCTTCTGCGCCTC[C>G]TGGTACACGTTGATGGCCTCGGGGTGGCTGCTCCAGGCGCGCAGTGTGTCCTGGATCACC-3'
Protein context (NP_063938.1, residues 173-193): SSHPEAINVY[Gln183His]EAQKLTFRMA